The following is an entry in ClinVar:

ClinVar aggregate classification (germline): Uncertain significance. Review status: criteria provided, multiple submitters, no conflicts (2 of 4 stars). 3 submissions from 3 submitters: Uncertain significance (3). Last evaluated 2025-10-22.

Conditions:
Inborn genetic diseases. Identifiers: MedGen C0950123, MeSH D030342.
PHIP-related disorder. Also called: PHIP-related condition; PHIP-related disorders.

gnomAD v4.1: 1 of 1,612,056 alleles (0.000062%); highest among the groups gnomAD compares: Non-Finnish European, 0.000085%; no homozygotes.

Submissions (3):

PreventionGenetics, part of Exact Sciences
Classification: Uncertain significance for PHIP-related condition. Last evaluated: 2025-10-22. Review status: criteria provided, single submitter. Criteria: ACMG Guidelines, 2015. Collection method: clinical testing. Allele origin: germline.
Comment: The PHIP c.3017T>C variant is predicted to result in the amino acid substitution p.Ile1006Thr. To our knowledge, this variant has not been reported in the literature or in a large population database (gnomAD), indicating this variant is rare. At this time, the clinical significance of this variant is uncertain due to the absence of conclusive functional and genetic evidence.

Labcorp Genetics (formerly Invitae), Labcorp
Classification: Uncertain significance. Last evaluated: 2024-09-01. Review status: criteria provided, single submitter. Criteria: Invitae Variant Classification Sherloc (09022015). Collection method: clinical testing. Allele origin: germline.
Comment: This sequence change replaces isoleucine, which is neutral and non-polar, with threonine, which is neutral and polar, at codon 1006 of the PHIP protein (p.Ile1006Thr). This variant is not present in population databases (gnomAD no frequency). This variant has not been reported in the literature in individuals affected with PHIP-related conditions. Invitae Evidence Modeling of protein sequence and biophysical properties (such as structural, functional, and spatial information, amino acid conservation, physicochemical variation, residue mobility, and thermodynamic stability) indicates that this missense variant is not expected to disrupt PHIP protein function with a negative predictive value of 80%. In summary, the available evidence is currently insufficient to determine the role of this variant in disease. Therefore, it has been classified as a Variant of Uncertain Significance.

Ambry Genetics
Classification: Uncertain significance for Inborn genetic diseases. Last evaluated: 2024-03-18. Review status: criteria provided, single submitter. Criteria: Ambry Variant Classification Scheme 2023. Collection method: clinical testing. Allele origin: germline.

NM_017934.7(PHIP):c.3017T>C (p.Ile1006Thr)

Genes: IRAK1BP1 (interleukin 1 receptor associated kinase 1 binding protein 1; plus strand), PHIP (PHIP subunit of CUL4-Ring ligase complex; minus strand). Cytogenetic location: 6q14.1.
Variant type: single nucleotide variant.
Coding change: c.3017T>C on transcript NM_017934.7 (MANE Select); coding-DNA position 3017, T replaced by C.
Protein change: p.Ile1006Thr; replaces isoleucine 1006 with threonine.
Molecular consequence: missense variant.
Genome position (GRCh38, 1-based): chr6:78,970,154, A>G on the plus strand (T>C on the coding strand, the complement: PHIP is on the minus strand). VCF-style: chr6-78970154-A-G. GRCh37 (hg19) VCF-style: chr6-79679871-A-G.
Other names: c.3017T>C (NM_017934.6); short protein forms I1006T.
Identifiers: ClinVar variation 3306170 (VCV003306170.4).